The following is an entry in ClinVar:

ClinVar aggregate classification (germline): Pathogenic (1 of 4 stars; one submission).

Conditions:
Telangiectasia, hereditary hemorrhagic, type 1 (HHT1). Also called: Osler Weber Rendu syndrome type 1; ENG-Related Hereditary Hemorrhagic Telangiectasia. Identifiers: Orphanet 774, MedGen C4551861, MONDO:0008535, OMIM 187300. Disease mechanism: loss of function.

Submission:

Broad Center for Mendelian Genomics, Broad Institute of MIT and Harvard
Classification: Pathogenic for Telangiectasia, hereditary hemorrhagic, type 1. Last evaluated: 2026-03-05. Review status: criteria provided, single submitter. Criteria: ACMG Guidelines, 2015. Collection method: research. Allele origin: germline. Inheritance: Autosomal dominant inheritance. Study: GREGoR Consortium.
Comment: The p.Gln254ArgfsX105 variant in ENG has not been previously reported in individuals with hereditary hemorrhagic telangiectasia (HHT) and was absent from large population studies. This variant was identified through WGS analysis in an adult with pulmonary AVMs, epistaxis, and HHT by the Broad Institute Rare Genomes Project. This variant is predicted to cause a frameshift, which alters the protein’s amino acid sequence beginning at position 254 and leads to a premature termination codon 105 amino acids downstream. Loss of function of the ENG gene is an established disease mechanism in autosomal dominant HHT. In summary, this variant meets criteria to be classified as pathogenic for autosomal dominant hereditary hemorrhagic telangiectasia (HHT). ACMG/AMP Criteria applied: PVS1, PP4, PM2_supporting.

NM_001114753.3(ENG):c.761del (p.Gln254fs)

Gene: ENG (endoglin; minus strand). Cytogenetic location: 9q34.11.
Variant type: Deletion.
Coding change: c.761del on transcript NM_001114753.3 (MANE Select); coding-DNA position 761, one base deleted (A; older notation c.761delA).
Protein change: p.Gln254fs; shifts the reading frame from glutamine 254.
Molecular consequence: frameshift variant.
Genome position (GRCh38, 1-based): chr9:127,825,286, T deleted on the plus strand (A on the coding strand, the reverse complement: ENG is on the minus strand). VCF-style (leftmost placement, unchanged base first): chr9-127825285-CT-C. GRCh37 (hg19) VCF-style: chr9-130587564-CT-C.
Other names: NM_001278138.2:c.215del; c.761del, p.Gln254fs (NM_000118.4, NM_001406715.1); c.215del, p.Gln72fs (NM_001278138.2); short protein forms Q254fs, Q72fs.
Identifiers: ClinVar variation 4819589 (VCV004819589.1).